The following is an entry in ClinVar:

NM_002907.4(RECQL):c.1353_1355+1del

Gene: RECQL (RecQ like helicase; minus strand). Cytogenetic location: 12p12.1.
Variant type: Deletion.
Coding change: c.1353_1355+1del on transcript NM_002907.4 (MANE Select); coding-DNA position 1353 through the canonical splice donor site of the intron after coding-DNA position 1355, 4 bases deleted (CAAG; older notation c.1353_1355+1delCAAG).
Molecular consequence: splice donor variant.
Genome position (GRCh38, 1-based): chr12:21,474,840-21,474,843, CTTG deleted on the plus strand (CAAG on the coding strand, the reverse complement: RECQL is on the minus strand); deleting any 4 consecutive bases within chr12:21,474,840-21,474,846 gives the same sequence; the c. name uses the placement nearest the transcript's 3' end. VCF-style (leftmost placement, unchanged base first): chr12-21474839-ACTTG-A. GRCh37 (hg19) VCF-style: chr12-21627773-ACTTG-A.
Other names: c.1353_1355+1del (NM_032941.3); c.1353_1355+1delCAAG (NM_002907.3).
Identifiers: ClinVar variation 967075 (VCV000967075.10), dbSNP rs752881895, ClinGen allele CA6478791.

ClinVar aggregate classification (germline): Uncertain significance. Review status: criteria provided, multiple submitters, no conflicts (2 of 4 stars). 2 submissions from 2 submitters: Uncertain significance (2). Last evaluated 2024-03-07.

Submissions (2):

Labcorp Genetics (formerly Invitae), Labcorp
Classification: Uncertain significance. Last evaluated: 2024-03-07. Review status: criteria provided, single submitter. Criteria: Invitae Variant Classification Sherloc (09022015). Collection method: clinical testing. Allele origin: germline.
Comment: This sequence change creates a premature translational stop signal (p.Ser451Asnfs*6) in the RECQL gene. It is expected to result in an absent or disrupted protein product. However, the current clinical and genetic evidence is not sufficient to establish whether loss-of-function variants in RECQL cause disease. This variant is present in population databases (rs752881895, gnomAD 0.008%). This variant has not been reported in the literature in individuals affected with RECQL-related conditions. ClinVar contains an entry for this variant (Variation ID: 967075). Experimental studies and prediction algorithms are not available or were not evaluated, and the functional significance of this variant is currently unknown. In summary, the available evidence is currently insufficient to determine the role of this variant in disease. Therefore, it has been classified as a Variant of Uncertain Significance.

Ambry Genetics
Classification: Uncertain significance. Last evaluated: 2022-08-12. Review status: criteria provided, single submitter. Criteria: Ambry Variant Classification Scheme 2023. Collection method: clinical testing. Allele origin: germline.
Comment: The c.1353_1355+1delCAAG variant results from a deletion of 4 nucleotides between positions 1353 and 1355+1 and involves the canonical splice donor site after coding exon 10 of the RECQL gene. The canonical splice donor site is highly conserved in available vertebrate species. In silico splice site analysis predicts that this alteration will weaken the native splice donor site and will result in the creation or strengthening of a novel splice donor site. Alterations that disrupt the canonical splice site are expected to cause aberrant splicing, resulting in an abnormal protein or a transcript that is subject to nonsense-mediated mRNA decay. However, the gene-disease association for RECQL is limited. Since supporting evidence is limited at this time, the clinical significance of this alteration remains unclear.